The following continues an entry in ClinVar:

NM_024675.4(PALB2):c.2411_2412del (p.Ser804fs)

Gene: PALB2. ClinVar aggregate classification (germline): Pathogenic. Pathogenic (14).

Submissions 11 to 15 of 15:

Color Diagnostics, LLC DBA Color Health
Classification: Pathogenic for Hereditary cancer-predisposing syndrome. Last evaluated: 2022-01-25. Review status: criteria provided, single submitter. Criteria: ACMG Guidelines, 2015. Collection method: clinical testing. Allele origin: germline.
Comment: This variant deletes 2 nucleotides in exon 5 of the PALB2 gene, creating a frameshift and premature translation stop signal. This variant is expected to result in an absent or non-functional protein product. This variant has been reported in individuals affected with early-onset breast cancer in the literature (PMID: 25337758, 25794774, 29263802). This variant has been identified in 5/282858 chromosomes in the general population by the Genome Aggregation Database (gnomAD). Loss of PALB2 function is a known mechanism of disease. Based on the available evidence, this variant is classified as Pathogenic.

Sema4
Classification: Pathogenic for Hereditary cancer-predisposing syndrome. Last evaluated: 2021-08-21. Review status: criteria provided, single submitter. Criteria: Sema4 Curation Guidelines. Collection method: curation. Allele origin: germline.
Comment: The PALB2 c.2411_2412delCT (p.S804Cfs*10) variant has been reported in heterozygosity in at least six individuals with breast cancer and one with prostate cancer (PMID: 25794774, 31206626, 31447099, 32339256, 32832836). This variant causes a frameshift at amino acid 804 that results in premature termination 10 amino acids downstream. This variant is predicted to cause loss of normal protein function either through protein truncation or nonsense-mediated mRNA decay. Loss of function variants in PALB2 are known to be pathogenic (PMID: 17200668). It was observed in 4/35428 chromosomes of the Latino subpopulation in the large and broad cohorts of the Genome Aggregation Database (PMID: 32461654). The variant has been reported in ClinVar (Variation ID 231143). Based on the current evidence available, this variant is interpreted as pathogenic.

Revvity Omics, Revvity
Classification: Pathogenic. Last evaluated: 2019-09-24. Review status: criteria provided, single submitter. Criteria: ACMG Guidelines, 2015. Collection method: clinical testing. Allele origin: germline.

Human Genome Sequencing Center Clinical Lab, Baylor College of Medicine
Classification: Pathogenic for Familial cancer of breast. Last evaluated: 2018-06-01. Review status: criteria provided, single submitter. Criteria: ACMG Guidelines, 2015. Collection method: clinical testing. Allele origin: germline.
Comment: This c.2411_2412delCT (p.Ser804Cysfs*10) variant in exon 5 of the PALB2 gene creates a stop codon which is predicted to lead to nonsense-mediated mRNA decay, which is a known disease mechanism for this gene. This variant has been reported in patients with breast cancer (PMID: 25337756, 25794774) and is extremely rare in the general population. Therefore, the c.2411_2412delCT (p.Ser804Cysfs*10) variant in the PALB2 gene is classified as pathogenic.

Counsyl
Classification: Likely pathogenic for Familial cancer of breast. Last evaluated: 2016-08-22. Review status: no assertion criteria provided. Collection method: clinical testing. Allele origin: unknown. Not counted in ClinVar's aggregate classification.

Literature cited by the submitters: PubMed 25099575 (cited by Ambry Genetics and Labcorp Genetics (formerly Invitae), Labcorp); PubMed 25794774 (cited by 7 submitters); PubMed 29263802 (cited by 4 submitters); PubMed 31206626 (cited by 3 submitters); PubMed 31325073 (cited by Ambry Genetics); PubMed 32339256 (cited by 3 submitters); PubMed 32832836 (cited by 3 submitters); PubMed 33471991 (cited by Ambry Genetics and Quest Diagnostics Nichols Institute San Juan Capistrano); PubMed 17200668 (cited by Labcorp Genetics (formerly Invitae), Labcorp and Sema4); PubMed 17200671 (cited by Labcorp Genetics (formerly Invitae), Labcorp); PubMed 17200672 (cited by Labcorp Genetics (formerly Invitae), Labcorp); PubMed 24136930 (cited by Labcorp Genetics (formerly Invitae), Labcorp); PubMed 29922827 (cited by Quest Diagnostics Nichols Institute San Juan Capistrano); PubMed 38355628 (cited by Quest Diagnostics Nichols Institute San Juan Capistrano); PubMed 31841383 (cited by Quest Diagnostics Nichols Institute San Juan Capistrano and Women's Health and Genetics/Laboratory Corporation of America, LabCorp); PubMed 25337758 (cited by 3 submitters); PubMed 31447099 (cited by Sema4).